The following is an entry in ClinVar:

ClinVar aggregate classification (germline): Uncertain significance (1 of 4 stars; one submission).

Submission:

Labcorp Genetics (formerly Invitae), Labcorp
Classification: Uncertain significance. Last evaluated: 2022-08-09. Review status: criteria provided, single submitter. Criteria: Invitae Variant Classification Sherloc (09022015). Collection method: clinical testing. Allele origin: germline.
Comment: In summary, the available evidence is currently insufficient to determine the role of this variant in disease. Therefore, it has been classified as a Variant of Uncertain Significance. Algorithms developed to predict the effect of missense changes on protein structure and function are either unavailable or do not agree on the potential impact of this missense change (SIFT: "Deleterious"; PolyPhen-2: "Benign"; Align-GVGD: "Class C0"). ClinVar contains an entry for this variant (Variation ID: 1681011). This variant has not been reported in the literature in individuals affected with EPRS-related conditions. This variant is not present in population databases (gnomAD no frequency). This sequence change replaces isoleucine, which is neutral and non-polar, with methionine, which is neutral and non-polar, at codon 78 of the EPRS protein (p.Ile78Met).

NM_004446.3(EPRS1):c.234T>G (p.Ile78Met)

Gene: EPRS1 (glutamyl-prolyl-tRNA synthetase 1; minus strand). Cytogenetic location: 1q41.
Variant type: single nucleotide variant.
Coding change: c.234T>G on transcript NM_004446.3 (MANE Select); coding-DNA position 234, T replaced by G.
Protein change: p.Ile78Met; replaces isoleucine 78 with methionine.
Molecular consequence: missense variant.
Genome position (GRCh38, 1-based): chr1:220,033,656, A>C on the plus strand (T>G on the coding strand, the complement: EPRS1 is on the minus strand). VCF-style: chr1-220033656-A-C. GRCh37 (hg19) VCF-style: chr1-220206998-A-C.
Other names: short protein forms I78M.
Identifiers: ClinVar variation 1681011 (VCV001681011.6), dbSNP rs2102597087, ClinGen allele CA344639764.